The following is an entry in ClinVar:

NM_016188.5(ACTL6B):c.467+9T>G

Gene: ACTL6B (actin like 6B; minus strand). Cytogenetic location: 7q22.1.
Variant type: single nucleotide variant.
Coding change: c.467+9T>G on transcript NM_016188.5 (MANE Select); 9 bases into the intron after coding-DNA position 467, T replaced by G.
Molecular consequence: intron variant.
Genome position (GRCh38, 1-based): chr7:100,650,029, A>C on the plus strand (T>G on the coding strand, the complement: ACTL6B is on the minus strand). VCF-style: chr7-100650029-A-C. GRCh37 (hg19) VCF-style: chr7-100247652-A-C.
Identifiers: ClinVar variation 4885012 (VCV004885012.2).

ClinVar aggregate classification (germline): Uncertain significance (1 of 4 stars; one submission).

gnomAD v4.1: 49 of 1,613,210 alleles (0.003%); highest among the groups gnomAD compares: African/African-American, 0.055%; no homozygotes.

Submission:

Dasa
Classification: Uncertain significance. Last evaluated: 2026-01-28. Review status: criteria provided, single submitter. Criteria: DASA Assertion Criteria. Collection method: clinical testing. Allele origin: germline.
Comment: NM_016188.5(ACTL6B):c.467+9T>G is a splice-region variant. This variant is rare in population databases. Computational prediction algorithms are consistent with a benign effect. The currently available literature and clinical evidence are not sufficient to establish a definitive association between this variant and the reported condition. Therefore, this variant is classified as a variant of uncertain significance.